The following is an entry in ClinVar:

NM_001001331.4(ATP2B2):c.1919A>T (p.Asn640Ile)

Gene: ATP2B2 (ATPase plasma membrane Ca2+ transporting 2; minus strand). Cytogenetic location: 3p25.3.
Variant type: single nucleotide variant.
Coding change: c.1919A>T on transcript NM_001001331.4 (MANE Select); coding-DNA position 1919, A replaced by T.
Protein change: p.Asn640Ile; replaces asparagine 640 with isoleucine.
Molecular consequence: missense variant.
Genome position (GRCh38, 1-based): chr3:10,358,908, T>A on the plus strand (A>T on the coding strand, the complement: ATP2B2 is on the minus strand). VCF-style: chr3-10358908-T-A. GRCh37 (hg19) VCF-style: chr3-10400592-T-A.
Other names: c.1784A>T, p.Asn595Ile (NM_001330611.3, NM_001353564.1, NM_001363862.1 and 2 more transcripts); c.1826A>T, p.Asn609Ile (NM_001438646.1); short protein forms N595I, N609I, N640I.
Identifiers: ClinVar variation 5009717 (VCV005009717.1).

ClinVar aggregate classification (germline): Uncertain significance (1 of 4 stars; one submission).

Submission:

GeneDx
Classification: Uncertain significance. Last evaluated: 2026-02-12. Review status: criteria provided, single submitter. Criteria: GeneDx Variant Classification Process June 2021. Collection method: clinical testing. Allele origin: germline.
Comment: Not observed at significant frequency in large population cohorts (gnomAD); In silico analysis supports that this missense variant has a deleterious effect on protein structure/function; Has not been previously published as pathogenic or benign to our knowledge